The following is an entry in ClinVar:

NM_015102.5(NPHP4):c.1120-7A>G

Gene: NPHP4 (nephrocystin 4; minus strand). Cytogenetic location: 1p36.31.
Variant type: single nucleotide variant.
Coding change: c.1120-7A>G on transcript NM_015102.5 (MANE Select); 7 bases into the intron before coding-DNA position 1120, A replaced by G.
Molecular consequence: intron variant.
Genome position (GRCh38, 1-based): chr1:5,933,336, T>C on the plus strand (A>G on the coding strand, the complement: NPHP4 is on the minus strand). VCF-style: chr1-5933336-T-C. GRCh37 (hg19) VCF-style: chr1-5993396-T-C.
Other names: c.-247-7A>G (NM_001291594.2, NM_001291593.2).
Identifiers: ClinVar variation 1358608 (VCV001358608.8), dbSNP rs1223728002, ClinGen allele CA737365756.

ClinVar aggregate classification (germline): Uncertain significance. Review status: criteria provided, multiple submitters, no conflicts (2 of 4 stars). 2 submissions from 2 submitters: Uncertain significance (2). Last evaluated 2024-05-21.

Conditions:
Nephronophthisis. Also called: Juvenile Nephronophthisis. Identifiers: Orphanet 655, MedGen C0687120, MONDO:0019005, HP:0000090.
Nephronophthisis 4 (NPHP4). Also called: NEPHRONOPHTHISIS 4, JUVENILE. Identifiers: Orphanet 655, MedGen C1847013, MONDO:0011752, OMIM 606966.
Senior-Loken syndrome 4 (SLSN4). Identifiers: Orphanet 3156, MedGen C1846979, MONDO:0011756, OMIM 606996.

Allele frequency attached by ClinVar (database versions not stated): TOPMed below 0.00001; gnomAD 0.00001; gnomAD exomes 0.00001.
gnomAD v4.1: 8 of 1,610,742 alleles (0.0005%); highest among the groups gnomAD compares: Non-Finnish European, 0.00068%; no homozygotes.

Submissions (3):

Fulgent Genetics
Classification: Uncertain significance for Nephronophthisis 4; Senior-Loken syndrome 4. Last evaluated: 2024-05-21. Review status: criteria provided, single submitter. Criteria: ACMG Guidelines, 2015. Collection method: clinical testing. Allele origin: germline.

Labcorp Genetics (formerly Invitae), Labcorp
Classification: Uncertain significance for Nephronophthisis. Last evaluated: 2021-08-08. Review status: criteria provided, single submitter. Criteria: Invitae Variant Classification Sherloc (09022015). Collection method: clinical testing. Allele origin: germline.
Comment: Algorithms developed to predict the effect of sequence changes on RNA splicing suggest that this variant may disrupt the consensus splice site. In summary, the available evidence is currently insufficient to determine the role of this variant in disease. Therefore, it has been classified as a Variant of Uncertain Significance. This variant has not been reported in the literature in individuals affected with NPHP4-related conditions. This sequence change falls in intron 9 of the NPHP4 gene. It does not directly change the encoded amino acid sequence of the NPHP4 protein. This variant is not present in population databases (ExAC no frequency).

Dr. Peter K. Rogan Lab, Western University
No classification provided (evidence only). Condition: Uveal melanoma. Review status: no classification provided. Collection method: in vitro. Allele origin: not applicable. Functional consequence: retained intron. Not counted in ClinVar's aggregate classification.